The following is an entry in ClinVar:

ClinVar aggregate classification (germline): Benign/Likely benign. Review status: criteria provided, multiple submitters, no conflicts (2 of 4 stars). 3 submissions from 3 submitters: Benign (1); Likely benign (2). Last evaluated 2026-07-06.

Conditions:
KDM5C-related disorder. Also called: KDM5C-related condition.
Inborn genetic diseases. Identifiers: MedGen C0950123, MeSH D030342.
Spastic paraplegia. Identifiers: MedGen C0037772, HP:0001258.

Allele frequency attached by ClinVar (database versions not stated): gnomAD exomes 0.00002 and 0.00010; ExAC 0.00005; gnomAD 0.00006 and 0.00008; TOPMed 0.00006.

Submissions (3):

PreventionGenetics, part of Exact Sciences
Classification: Likely benign for KDM5C-related condition. Last evaluated: 2026-07-06. Review status: criteria provided, single submitter. Criteria: ACMG Guidelines, 2015. Collection method: clinical testing. Allele origin: germline.
Comment: This variant is classified as likely benign based on ACMG/AMP sequence variant interpretation guidelines (Richards et al. 2015 PMID: 25741868, with internal and published modifications).

Labcorp Genetics (formerly Invitae), Labcorp
Classification: Benign for Spastic paraplegia. Last evaluated: 2025-08-18. Review status: criteria provided, single submitter. Criteria: Invitae Variant Classification Sherloc (09022015). Collection method: clinical testing. Allele origin: germline.

Ambry Genetics
Classification: Likely benign for Inborn genetic diseases. Last evaluated: 2017-05-31. Review status: criteria provided, single submitter. Criteria: Ambry Variant Classification Scheme 2023. Collection method: clinical testing. Allele origin: germline.

NM_004187.5(KDM5C):c.896G>A (p.Ser299Asn)

Gene: KDM5C (lysine demethylase 5C; minus strand). Cytogenetic location: Xp11.22.
Variant type: single nucleotide variant.
Coding change: c.896G>A on transcript NM_004187.5 (MANE Select); coding-DNA position 896, G replaced by A.
Protein change: p.Ser299Asn; replaces serine 299 with asparagine.
Molecular consequence: missense variant. On other transcripts: non-coding transcript variant (3).
Genome position (GRCh38, 1-based): chrX:53,215,862, C>T on the plus strand (G>A on the coding strand, the complement: KDM5C is on the minus strand). VCF-style: chrX-53215862-C-T. GRCh37 (hg19) VCF-style: chrX-53245044-C-T.
Other names: c.695G>A, p.Ser232Asn (NM_001146702.2); c.893G>A, p.Ser298Asn (NM_001282622.3, NM_001353979.2, NM_001353982.2); c.896G>A, p.Ser299Asn (NM_001353978.3, NM_001353981.2, NM_001353984.2); short protein forms S299N, S232N, S298N.
Identifiers: ClinVar variation 589190 (VCV000589190.14), dbSNP rs782163332, ClinGen allele CA10419609.